The following is an entry in ClinVar:

NM_005609.4(PYGM):c.2053_2054delinsT (p.Asn685fs)

Gene: PYGM (glycogen phosphorylase, muscle associated; minus strand). Cytogenetic location: 11q13.1.
Variant type: Indel.
Coding change: c.2053_2054delinsT on transcript NM_005609.4 (MANE Select); coding-DNA positions 2053 to 2054, AA replaced by T.
Protein change: p.Asn685fs; shifts the reading frame from asparagine 685.
Molecular consequence: frameshift variant.
Genome position (GRCh38, 1-based): chr11:64,750,499-64,750,500, TT replaced by A on the plus strand (AA replaced by T on the coding strand, the reverse complement: PYGM is on the minus strand). VCF-style: chr11-64750499-TT-A. GRCh37 (hg19) VCF-style: chr11-64517971-TT-A.
Other names: c.1789_1790delinsT, p.Asn597fs (NM_001164716.1); short protein forms N597fs, N685fs.
Identifiers: ClinVar variation 5011328 (VCV005011328.1).

ClinVar aggregate classification (germline): Pathogenic (1 of 4 stars; one submission).

Conditions:
Glycogen storage disease, type V (GSD5). Also called: MCARDLE DISEASE; MUSCLE GLYCOGEN PHOSPHORYLASE DEFICIENCY; MYOPHOSPHORYLASE DEFICIENCY; PYGM DEFICIENCY; McArdle type glycogen storage disease. Identifiers: Orphanet 368, MedGen C0017924, MONDO:0009293, OMIM 232600.

Submission:

Myriad Genetics, Inc.
Classification: Pathogenic for Glycogen storage disease, type V. Last evaluated: 2023-08-12. Review status: criteria provided, single submitter. Criteria: Myriad Autosomal Dominant, Autosomal Recessive and X-Linked Classification Criteria (2023). Collection method: clinical testing. Allele origin: unknown.
Comment: NM_005609.2(PYGM):c.2053_2054delAAinsT(N685Sfs*4) is expected to be pathogenic in the context of glycogen storage disease, PYGM-related. This variant is predicted to lead to an abnormal or absent protein product due to the creation of a premature termination codon in PYGM, a gene where loss-of-function variants are known to be pathogenic. Please note: this variant was assessed in the context of healthy population screening.